The following is an entry in ClinVar:

NM_001017365.3(C4BPB):c.232+3A>G

Gene: C4BPB (complement component 4 binding protein beta; plus strand). Cytogenetic location: 1q32.1.
Variant type: single nucleotide variant.
Coding change: c.232+3A>G on transcript NM_001017365.3 (MANE Select); 3 bases into the intron after coding-DNA position 232, A replaced by G.
Molecular consequence: intron variant.
Genome position (GRCh38, 1-based): chr1:207,090,484, A>G. VCF-style: chr1-207090484-A-G. GRCh37 (hg19) VCF-style: chr1-207263829-A-G.
Other names: c.229+3A>G (NM_001017366.3, NM_001017364.1); c.232+3A>G (NM_000716.3, NM_001017367.1).
Identifiers: ClinVar variation 402446 (VCV000402446.8), dbSNP rs6690037, ClinGen allele CA1367223.

ClinVar aggregate classification (germline): Benign/Likely benign. Review status: criteria provided, multiple submitters, no conflicts (2 of 4 stars). 4 submissions from 4 submitters: Benign (3); Likely benign (1). Last evaluated 2024-11-26.

Allele frequency attached by ClinVar (database versions not stated): ESP Exome Variant Server 0.37075; TOPMed 0.38676; gnomAD 0.41597; 1000 Genomes Project 30x 0.43223; 1000 Genomes Project 0.44349; ExAC 0.50170; gnomAD exomes 0.50229 and 0.51178.
gnomAD v4.1: 784,898 of 1,597,846 alleles (49%); highest among the groups gnomAD compares: East Asian, 76%; 201,497 homozygotes.

Submissions (4):

Blueprint Genetics
Classification: Likely benign. Last evaluated: 2024-11-26. Review status: criteria provided, single submitter. Criteria: ACMG Guidelines, 2015. Collection method: clinical testing. Allele origin: germline.

GeneDx
Classification: Benign. Last evaluated: 2018-11-10. Review status: criteria provided, single submitter. Criteria: GeneDx Variant Classification Process June 2021. Collection method: clinical testing. Allele origin: germline. Affected: yes.

Laboratory for Molecular Medicine, Mass General Brigham Personalized Medicine
Classification: Benign. Last evaluated: 2016-03-28. Review status: criteria provided, single submitter. Criteria: LMM Criteria. Collection method: clinical testing. Allele origin: germline.
Comment: Variant identified in a genome or exome case(s) and assessed due to predicted null impact of the variant or pathogenic assertions in the literature or databases. Disclaimer: This variant has not undergone full assessment. The following are preliminary notes: Frequency

Breakthrough Genomics
Classification: Benign. Review status: criteria provided, single submitter. Criteria: ACMG Guidelines, 2015. Collection method: not provided. Allele origin: germline. Inheritance: Unknown mechanism. Affected: yes.